The following is an entry in ClinVar:

NM_001126108.2(SLC12A3):c.2369-2A>G

Gene: SLC12A3 (solute carrier family 12 member 3; plus strand). Cytogenetic location: 16q13.
Variant type: single nucleotide variant.
Coding change: c.2369-2A>G on transcript NM_001126108.2 (MANE Select); the canonical splice acceptor site of the intron before coding-DNA position 2369, A replaced by G.
Molecular consequence: splice acceptor variant.
Genome position (GRCh38, 1-based): chr16:56,892,081, A>G. VCF-style: chr16-56892081-A-G. GRCh37 (hg19) VCF-style: chr16-56925993-A-G.
Other names: c.2369-2A>G (NM_000339.3, NM_000339.2); c.2366-2A>G (NM_001126107.2, NM_001410896.1).
Identifiers: ClinVar variation 1942017 (VCV001942017.6), dbSNP rs770038566, ClinGen allele CA281512363.

ClinVar aggregate classification (germline): Likely pathogenic. Review status: criteria provided, multiple submitters, no conflicts (2 of 4 stars). 2 submissions from 2 submitters: Likely pathogenic (2). Last evaluated 2023-07-28.

Conditions:
Familial hypokalemia-hypomagnesemia (GTLMNS). Also called: HYPOMAGNESEMIA-HYPOKALEMIA, PRIMARY RENOTUBULAR, WITH HYPOCALCIURIA; POTASSIUM AND MAGNESIUM DEPLETION; gitelman syndrome. Identifiers: Orphanet 358, MedGen C0268450, MONDO:0009904, OMIM 263800.

gnomAD v4.1: 6 of 1,612,672 alleles (0.00037%); highest among the groups gnomAD compares: Non-Finnish European, 0.00042%; no homozygotes.

Submissions (2):

Women's Health and Genetics/Laboratory Corporation of America, LabCorp
Classification: Likely pathogenic for Familial hypokalemia-hypomagnesemia. Last evaluated: 2023-07-28. Review status: criteria provided, single submitter. Criteria: LabCorp Variant Classification Summary - May 2015. Collection method: clinical testing. Allele origin: germline.
Comment: Variant summary: SLC12A3 c.2369-2A>G is located in a canonical splice-site and is predicted to affect mRNA splicing resulting in a significantly altered protein due to either exon skipping, shortening, or inclusion of intronic material. Several computational tools predict a significant impact on normal splicing: Four predict the variant abolishes a canonical 3' splicing acceptor site. However, these predictions have yet to be confirmed by functional studies. The variant allele was found at a frequency of 1.2e-05 in 251452 control chromosomes (gnomAD). To our knowledge, no occurrence of c.2369-2A>G in individuals affected with Familial Hypokalemia-Hypomagnesemia and no experimental evidence demonstrating its impact on protein function have been reported. One submitter has cited a clinical-significance assessment for this variant to ClinVar after 2014 and has classified the variant as likely pathogenic. Based on the evidence outlined above, the variant was classified as likely pathogenic.

Labcorp Genetics (formerly Invitae), Labcorp
Classification: Likely pathogenic. Last evaluated: 2023-04-08. Review status: criteria provided, single submitter. Criteria: Invitae Variant Classification Sherloc (09022015). Collection method: clinical testing. Allele origin: germline.
Comment: This variant has not been reported in the literature in individuals affected with SLC12A3-related conditions. This variant is present in population databases (no rsID available, gnomAD 0.003%). This sequence change affects an acceptor splice site in intron 19 of the SLC12A3 gene. It is expected to disrupt RNA splicing. Variants that disrupt the donor or acceptor splice site typically lead to a loss of protein function (PMID: 16199547), and loss-of-function variants in SLC12A3 are known to be pathogenic (PMID: 20848653, 22009145, 25841442). ClinVar contains an entry for this variant (Variation ID: 1942017). In summary, the currently available evidence indicates that the variant is pathogenic, but additional data are needed to prove that conclusively. Therefore, this variant has been classified as Likely Pathogenic. Algorithms developed to predict the effect of sequence changes on RNA splicing suggest that this variant may disrupt the consensus splice site.

Literature cited by the submitters: PubMed 16199547 (cited by Labcorp Genetics (formerly Invitae), Labcorp); PubMed 20848653 (cited by Labcorp Genetics (formerly Invitae), Labcorp); PubMed 22009145 (cited by Labcorp Genetics (formerly Invitae), Labcorp); PubMed 25841442 (cited by Labcorp Genetics (formerly Invitae), Labcorp).